The following is an entry in ClinVar:

NM_080680.3(COL11A2):c.2708C>T (p.Pro903Leu)

Gene: COL11A2 (collagen type XI alpha 2 chain; minus strand). Cytogenetic location: 6p21.32.
Variant type: single nucleotide variant.
Coding change: c.2708C>T on transcript NM_080680.3 (MANE Select); coding-DNA position 2708, C replaced by T.
Protein change: p.Pro903Leu; replaces proline 903 with leucine.
Molecular consequence: missense variant.
Genome position (GRCh38, 1-based): chr6:33,173,376, G>A on the plus strand (C>T on the coding strand, the complement: COL11A2 is on the minus strand). VCF-style: chr6-33173376-G-A. GRCh37 (hg19) VCF-style: chr6-33141153-G-A.
Other names: c.2387C>T, p.Pro796Leu (NM_080679.3); c.2450C>T, p.Pro817Leu (NM_080681.3); short protein forms P796L, P817L, P903L.
Identifiers: ClinVar variation 866289 (VCV000866289.10), dbSNP rs567206091, ClinGen allele CA3750758.

ClinVar aggregate classification (germline): Conflicting classifications of pathogenicity. Review status: criteria provided, conflicting classifications (1 of 4 stars). 3 submissions from 3 submitters: Uncertain significance (2); Likely benign (1). Last evaluated 2025-11-25.

Allele frequency attached by ClinVar (database versions not stated): ExAC 0.00001; gnomAD exomes 0.00001 and 0.00002; gnomAD 0.00004 and 0.00006; TOPMed 0.00005; 1000 Genomes Project 0.00020; 1000 Genomes Project 30x 0.00047.
gnomAD v4.1: 23 of 1,612,652 alleles (0.0014%); highest among the groups gnomAD compares: East Asian, 0.011%; no homozygotes.

Submissions (3):

Labcorp Genetics (formerly Invitae), Labcorp
Classification: Likely benign. Last evaluated: 2025-11-25. Review status: criteria provided, single submitter. Criteria: Invitae Variant Classification Sherloc (09022015). Collection method: clinical testing. Allele origin: germline.

GeneDx
Classification: Uncertain significance. Last evaluated: 2025-05-19. Review status: criteria provided, single submitter. Criteria: GeneDx Variant Classification Process June 2021. Collection method: clinical testing. Allele origin: germline.
Comment: Not observed at significant frequency in large population cohorts (gnomAD); In silico analysis supports that this missense variant has a deleterious effect on protein structure/function; Has not been previously published as pathogenic or benign to our knowledge

Blueprint Genetics
Classification: Uncertain significance. Last evaluated: 2019-02-05. Review status: criteria provided, single submitter. Criteria: ACMG Guidelines, 2015. Collection method: clinical testing. Allele origin: germline.